The following is an entry in ClinVar:

NM_152443.3(RDH12):c.843C>G (p.Tyr281Ter)

Genes: GPHN (gephyrin; plus strand), RDH12 (retinol dehydrogenase 12; plus strand), ZFYVE26 (zinc finger FYVE-type containing 26; minus strand). Cytogenetic location: 14q24.1.
Variant type: single nucleotide variant.
Coding change: c.843C>G on transcript NM_152443.3 (MANE Select); coding-DNA position 843, C replaced by G.
Protein change: p.Tyr281Ter; replaces tyrosine 281 with a stop codon.
Molecular consequence: nonsense.
Genome position (GRCh38, 1-based): chr14:67,729,375, C>G. VCF-style: chr14-67729375-C-G. GRCh37 (hg19) VCF-style: chr14-68196092-C-G.
Other names: short protein forms Y281*.
Identifiers: ClinVar variation 2819003 (VCV002819003.3), dbSNP rs1344063890, ClinGen allele CA390153513.

ClinVar aggregate classification (germline): Pathogenic (1 of 4 stars; one submission).

Conditions:
Leber congenital amaurosis 13 (LCA13). Identifiers: MedGen C2675186, MONDO:0012990, OMIM 612712.

Submission:

Labcorp Genetics (formerly Invitae), Labcorp
Classification: Pathogenic for Leber congenital amaurosis 13. Last evaluated: 2023-03-23. Review status: criteria provided, single submitter. Criteria: Invitae Variant Classification Sherloc (09022015). Collection method: clinical testing. Allele origin: germline.
Comment: This sequence change creates a premature translational stop signal (p.Tyr281*) in the RDH12 gene. While this is not anticipated to result in nonsense mediated decay, it is expected to disrupt the last 36 amino acid(s) of the RDH12 protein. This variant is not present in population databases (gnomAD no frequency). This variant has not been reported in the literature in individuals affected with RDH12-related conditions. This variant disrupts a region of the RDH12 protein in which other variant(s) (p.Trp304*) have been determined to be pathogenic (PMID: 20736127, 24625443). This suggests that this is a clinically significant region of the protein, and that variants that disrupt it are likely to be disease-causing. For these reasons, this variant has been classified as Pathogenic.

Literature cited by the submitters: PubMed 20736127; PubMed 24625443.